The following is an entry in ClinVar:

ClinVar aggregate classification (germline): Benign (1 of 4 stars; one submission).

Conditions:
Nicolaides-Baraitser syndrome (NCBRS). Also called: SMARCA2-Related Nicolaides-Baraitser Syndrome; Intellectual disability-sparse hair-brachydactyly syndrome. Identifiers: Orphanet 3051, MedGen C1303073, MONDO:0011053, OMIM 601358.

Allele frequency attached by ClinVar (database versions not stated): gnomAD exomes below 0.00001 and 0.00003; gnomAD 0.00001; TOPMed 0.00001; ExAC 0.00004.
gnomAD v4.1: 8 of 1,613,112 alleles (0.0005%); highest among the groups gnomAD compares: East Asian, 0.0045%; no homozygotes.

Submission:

Illumina Laboratory Services, Illumina
Classification: Benign for Nicolaides-Baraitser syndrome. Last evaluated: 2018-01-13. Review status: criteria provided, single submitter. Criteria: ICSL Variant Classification Criteria 13 December 2019. Collection method: clinical testing. Allele origin: germline.
Comment: This variant was observed in the ICSL laboratory as part of a predisposition screen in an ostensibly healthy population. It had not been previously curated by ICSL or reported in the Human Gene Mutation Database (HGMD: prior to June 1st, 2018), and was therefore a candidate for classification through an automated scoring system. Utilizing variant allele frequency, disease prevalence and penetrance estimates, and inheritance mode, an automated score was calculated to assess if this variant is too frequent to cause the disease. Based on the score and internal cut-off values, a variant classified as benign is not then subjected to further curation. The score for this variant resulted in a classification of benign for this disease.

NM_003070.5(SMARCA2):c.2907C>T (p.Asp969=)

Gene: SMARCA2 (SWI/SNF related BAF chromatin remodeling complex subunit ATPase 2; plus strand). Cytogenetic location: 9p24.3.
Variant type: single nucleotide variant.
Coding change: c.2907C>T on transcript NM_003070.5 (MANE Select); coding-DNA position 2907, C replaced by T.
Protein change: p.Asp969=; no amino-acid change (aspartic acid 969 retained).
Molecular consequence: synonymous variant.
Genome position (GRCh38, 1-based): chr9:2,096,680, C>T. VCF-style: chr9-2096680-C-T. GRCh37 (hg19) VCF-style: chr9-2096680-C-T.
Other names: c.2907C>T, p.Asp969= (NM_001289396.2, NM_139045.4); c.2733C>T, p.Asp911= (NM_001289397.2).
Identifiers: ClinVar variation 366214 (VCV000366214.5), dbSNP rs761701446, ClinGen allele CA4963605.
Genomic context (GRCh38, chr9:2,096,680, plus strand): 5'-TCCTGCTCTTGCCTACTTACTGTTCTCTTTTCTGCAGGTGGAATATGTGATCAAGTGTGA[C>T]ATGTCAGCTCTGCAGAAGATTCTGTATCGCCATATGCAAGCCAAGGGGATCCTTCTCACA-3'
Protein context (NP_003061.3, residues 959-979): PEKVEYVIKC[Asp969=]MSALQKILYR